The following is an entry in ClinVar:

ClinVar aggregate classification (germline): Uncertain significance. Review status: criteria provided, multiple submitters, no conflicts (2 of 4 stars). 4 submissions from 4 submitters: Uncertain significance (4). Last evaluated 2025-09-28.

Conditions:
Hypogonadotropic hypogonadism 5 with or without anosmia (KAL5). Also called: HYPOGONADOTROPIC HYPOGONADISM 5 WITH ANOSMIA; HYPOGONADOTROPHIC HYPOGONADISM 5 WITHOUT ANOSMIA; CHD7-Related GnRH Deficiency (Kallmann Syndrome 5). Identifiers: Orphanet 478, MedGen C3552553, MONDO:0012880, OMIM 612370. Disease mechanism: loss of function.
CHARGE syndrome (CHARGE). Also called: Coloboma, heart anomaly, choanal atresia, retardation, genital and ear anomalies; CHARGE association; Hall-Hittner syndrome; Hittner Hirsch Kreh syndrome; CHARGE ASSOCIATION--COLOBOMA, HEART ANOMALY, CHOANAL ATRESIA, RETARDATION, GENITAL AND EAR ANOMALIES. Identifiers: Orphanet 138, MedGen C0265354, MONDO:0008965.
CHD7-related disorder. Also called: CHD7-related condition.

Allele frequency attached by ClinVar (database versions not stated): TOPMed below 0.00001; ExAC 0.00001; gnomAD 0.00001; gnomAD exomes 0.00001.
gnomAD v4.1: 16 of 1,612,708 alleles (0.00099%); highest among the groups gnomAD compares: South Asian, 0.0022%; 1 homozygote.

Submissions (4):

PreventionGenetics, part of Exact Sciences
Classification: Uncertain significance for CHD7-related condition. Last evaluated: 2025-09-28. Review status: criteria provided, single submitter. Criteria: ACMG Guidelines, 2015. Collection method: clinical testing. Allele origin: germline.
Comment: The CHD7 c.7198C>T variant is predicted to result in the amino acid substitution p.Arg2400Trp. This variant has been reported in the heterozygous state in an individual with congenital hypogonadotropic hypogonadism who also had a heterozygous variant in PROP1 (Neocleous et al. 2020. PubMed ID: 32982993). This variant has also been reported in a cohort study of individuals with autism and/or developmental-disability (Table S11, Stessman et al. 2017. PubMed ID: 28191889). This variant is reported in 0.0086% of alleles in individuals of European (Finnish) descent in gnomAD. At this time, the clinical significance of this variant is uncertain due to the absence of conclusive functional and genetic evidence.

Labcorp Genetics (formerly Invitae), Labcorp
Classification: Uncertain significance for CHARGE syndrome. Last evaluated: 2025-02-03. Review status: criteria provided, single submitter. Criteria: Invitae Variant Classification Sherloc (09022015). Collection method: clinical testing. Allele origin: germline.
Comment: This sequence change replaces arginine, which is basic and polar, with tryptophan, which is neutral and slightly polar, at codon 2400 of the CHD7 protein (p.Arg2400Trp). This variant is present in population databases (rs770959300, gnomAD 0.008%). This missense change has been observed in individual(s) with clinical features of CHD7-related conditions (PMID: 32982993). ClinVar contains an entry for this variant (Variation ID: 1474873). Invitae Evidence Modeling of protein sequence and biophysical properties (such as structural, functional, and spatial information, amino acid conservation, physicochemical variation, residue mobility, and thermodynamic stability) has been performed for this missense variant. However, the output from this modeling did not meet the statistical confidence thresholds required to predict the impact of this variant on CHD7 protein function. In summary, the available evidence is currently insufficient to determine the role of this variant in disease. Therefore, it has been classified as a Variant of Uncertain Significance.

Fulgent Genetics
Classification: Uncertain significance for CHD7-related CHARGE syndrome; Hypogonadotropic hypogonadism 5 with or without anosmia. Last evaluated: 2024-06-17. Review status: criteria provided, single submitter. Criteria: ACMG Guidelines, 2015. Collection method: clinical testing. Allele origin: germline.

Neuberg Centre For Genomic Medicine, NCGM
Classification: Uncertain significance for CHD7-related CHARGE syndrome. Review status: criteria provided, single submitter. Criteria: ACMG Guidelines, 2015. Collection method: clinical testing. Allele origin: germline. Inheritance: Autosomal dominant inheritance. Affected: yes.
Comment: The missense c.7198C>T p.Arg2400Trp variant in CHD7 gene has been previously reported in an individual affected with CHD-7 related disorders Neocleous et al., 2020. The p.Arg2400Trp variant has been reported with allele frequency of 0.001% in gnomAD exomes and is novel not in any individuals in 1000 Genomes. This variant has been reported to the ClinVar database as Uncertain Significance. The amino acid change p.Arg2400Trp in CHD7 is predicted as conserved by GERP++ and PhyloP across 100 vertebrates. The amino acid Arg at position 2400 is changed to a Trp changing protein sequence and it might alter its composition and physico-chemical properties. However, additional functional studies will be required to prove the pathogenicity of this variant. For these reasons, this variant has been classified as a Variant of Uncertain Significance VUS.

Literature cited by the submitters: PubMed 32982993 (cited by Labcorp Genetics (formerly Invitae), Labcorp).

NM_017780.4(CHD7):c.7198C>T (p.Arg2400Trp)

Gene: CHD7 (chromodomain helicase DNA binding protein 7; plus strand). Cytogenetic location: 8q12.2.
Variant type: single nucleotide variant.
Coding change: c.7198C>T on transcript NM_017780.4 (MANE Select); coding-DNA position 7198, C replaced by T.
Protein change: p.Arg2400Trp; replaces arginine 2400 with tryptophan.
Molecular consequence: missense variant. On other transcripts: intron variant (1).
Genome position (GRCh38, 1-based): chr8:60,856,478, C>T. VCF-style: chr8-60856478-C-T. GRCh37 (hg19) VCF-style: chr8-61769037-C-T.
Other names: c.7198C>T (NM_017780.3); c.1717-5751C>T (NM_001316690.1); short protein forms R2400W.
Identifiers: ClinVar variation 1474873 (VCV001474873.12), dbSNP rs770959300, ClinGen allele CA4760774.